The following is an entry in ClinVar:

NM_001844.5(COL2A1):c.737G>A (p.Gly246Asp)

Gene: COL2A1 (collagen type II alpha 1 chain; minus strand). Cytogenetic location: 12q13.11.
Variant type: single nucleotide variant.
Coding change: c.737G>A on transcript NM_001844.5 (MANE Select); coding-DNA position 737, G replaced by A.
Protein change: p.Gly246Asp; replaces glycine 246 with aspartic acid.
Molecular consequence: missense variant.
Genome position (GRCh38, 1-based): chr12:47,995,280, C>T on the plus strand (G>A on the coding strand, the complement: COL2A1 is on the minus strand). VCF-style: chr12-47995280-C-T. GRCh37 (hg19) VCF-style: chr12-48389063-C-T.
Other names: c.530G>A, p.Gly177Asp (NM_033150.3); short protein forms G246D, G177D.
Identifiers: ClinVar variation 4737630 (VCV004737630.1).
Genomic context (GRCh38, chr12:47,995,280, plus strand): 5'-GGCAGCTCCTCATTTGTCTACTCGTGTATACTCACATCATCACCAGGCTTTCCAGGGGGA[C>T]CAGGAGGACCACGGGGACCCATGGGACCCTACAAACAAAGGAAGATAGTTTAAGAGATGG-3'
Protein context (NP_001835.3, residues 236-256): SGPMGPRGPP[Gly246Asp]PPGKPGDDGE

ClinVar aggregate classification (germline): Likely pathogenic (1 of 4 stars; one submission).

Submission:

Labcorp Genetics (formerly Invitae), Labcorp
Classification: Likely pathogenic. Last evaluated: 2025-08-13. Review status: criteria provided, single submitter. Criteria: Invitae Variant Classification Sherloc (09022015). Collection method: clinical testing. Allele origin: germline.
Comment: This sequence change replaces glycine, which is neutral and non-polar, with aspartic acid, which is acidic and polar, at codon 246 of the COL2A1 protein (p.Gly246Asp). This variant is not present in population databases (gnomAD no frequency). This missense change has been observed in individual(s) with COL2A1-related conditions (PMID: 31785789, 33057194, 34680973). Invitae Evidence Modeling of protein sequence and biophysical properties (such as structural, functional, and spatial information, amino acid conservation, physicochemical variation, residue mobility, and thermodynamic stability) indicates that this missense variant is expected to disrupt COL2A1 protein function with a positive predictive value of 95%. This variant disrupts the triple helix domain of COL2A1. Glycine residues within the Gly-Xaa-Yaa repeats of the triple helix domain are required for the structure and stability of fibrillar collagens (PMID: 7695699, 8218237, 19344236). In COL2A1, variants affecting these glycine residues are significantly enriched in individuals with disease (PMID: 9016532, 17078022) compared to the general population (ExAC). In summary, the currently available evidence indicates that the variant is pathogenic, but additional data are needed to prove that conclusively. Therefore, this variant has been classified as Likely Pathogenic.

Literature cited by the submitters: PubMed 31785789; PubMed 33057194; PubMed 34680973; PubMed 7695699; PubMed 8218237; PubMed 19344236; PubMed 9016532; PubMed 17078022.